The following is an entry in ClinVar:

NM_001267550.2(TTN):c.83733C>T (p.Ser27911=)

Genes: TTN (titin; minus strand), TTN-AS1 (TTN antisense RNA 1; plus strand). Cytogenetic location: 2q31.2.
Variant type: single nucleotide variant.
Coding change: c.83733C>T on transcript NM_001267550.2 (MANE Select); coding-DNA position 83733, C replaced by T.
Protein change: p.Ser27911=; no amino-acid change (serine 27911 retained).
Molecular consequence: synonymous variant.
Genome position (GRCh38, 1-based): chr2:178,562,399, G>A on the plus strand (C>T on the coding strand, the complement: TTN is on the minus strand). VCF-style: chr2-178562399-G-A. GRCh37 (hg19) VCF-style: chr2-179427126-G-A.
Other names: p.Ser25343=; c.78810C>T, p.Ser26270= (NM_001256850.1); c.56538C>T, p.Ser18846= (NM_003319.4); c.76029C>T, p.Ser25343= (NM_133378.4); c.56913C>T, p.Ser18971= (NM_133432.3); c.57114C>T, p.Ser19038= (NM_133437.4).
Identifiers: ClinVar variation 96308 (VCV000096308.62), dbSNP rs375442124, ClinGen allele CA223977.

ClinVar aggregate classification (germline): Conflicting classifications of pathogenicity. Review status: criteria provided, conflicting classifications (1 of 4 stars). 10 submissions from 10 submitters: Uncertain significance (1); Likely benign (8). 1 of the submissions does not count toward it. Last evaluated 2026-01-04.

Conditions:
Cardiovascular phenotype. Identifiers: MedGen CN230736.
TTN-related disorder. Also called: TTN-related disorders; TTN-related condition; TTN-related disease.
Dilated cardiomyopathy 1G (CMD1G). Identifiers: Orphanet 154, MedGen C1858763, MONDO:0011400, OMIM 604145.
Autosomal recessive limb-girdle muscular dystrophy type 2J (LGMDR10). Also called: MUSCULAR DYSTROPHY, LIMB-GIRDLE, AUTOSOMAL RECESSIVE 10; Limb-girdle muscular dystrophy, type 2J. Identifiers: Orphanet 140922, MedGen C1837342, MONDO:0012127, OMIM 608807.
Cardiomyopathy (CMYO). Also called: Cardiomyopathies. Identifiers: Orphanet 167848, MedGen C0878544, MONDO:0004994, HP:0001638. Inheritance: Various modes of inheritance.

Allele frequency attached by ClinVar (database versions not stated): TOPMed 0.00001; gnomAD 0.00004 and 0.00008; gnomAD exomes 0.00007 and 0.00011; 1000 Genomes Project 30x 0.00016.
gnomAD v4.1: 111 of 1,611,770 alleles (0.0069%); highest among the groups gnomAD compares: East Asian, 0.011%; no homozygotes.

Submissions (10):

Labcorp Genetics (formerly Invitae), Labcorp
Classification: Likely benign for Dilated cardiomyopathy 1G; Autosomal recessive limb-girdle muscular dystrophy type 2J. Last evaluated: 2026-01-04. Review status: criteria provided, single submitter. Criteria: Invitae Variant Classification Sherloc (09022015). Collection method: clinical testing. Allele origin: germline.

Mayo Clinic Laboratories, Mayo Clinic
Classification: Likely benign. Last evaluated: 2024-12-30. Review status: criteria provided, single submitter. Criteria: ACMG Guidelines, 2015. Collection method: clinical testing. Allele origin: germline. Observed: 1 variant allele.
Comment: BP4, BP7

Blueprint Genetics
Classification: Likely benign. Last evaluated: 2024-03-25. Review status: criteria provided, single submitter. Criteria: ACMG Guidelines, 2015. Collection method: clinical testing. Allele origin: germline.

CeGaT Center for Human Genetics Tuebingen
Classification: Likely benign. Last evaluated: 2023-10-01. Review status: criteria provided, single submitter. Criteria: CeGaT Center For Human Genetics Tuebingen Variant Classification Criteria Version 2. Collection method: clinical testing. Allele origin: germline. Affected: yes. Observed: 1 variant allele.
Comment: TTN: BP4

Women's Health and Genetics/Laboratory Corporation of America, LabCorp
Classification: Likely benign. Last evaluated: 2021-08-28. Review status: criteria provided, single submitter. Criteria: LabCorp Variant Classification Summary - May 2015. Collection method: clinical testing. Allele origin: germline.

GeneDx
Classification: Likely benign. Last evaluated: 2021-04-01. Review status: criteria provided, single submitter. Criteria: GeneDx Variant Classification Process June 2021. Collection method: clinical testing. Allele origin: germline. Affected: yes.

Ambry Genetics
Classification: Likely benign for Cardiovascular phenotype. Last evaluated: 2021-01-12. Review status: criteria provided, single submitter. Criteria: Ambry Variant Classification Scheme 2023. Collection method: clinical testing. Allele origin: germline.

CHEO Genetics Diagnostic Laboratory, Children's Hospital of Eastern Ontario
Classification: Likely benign for Cardiomyopathy. Last evaluated: 2020-04-20. Review status: criteria provided, single submitter. Criteria: ACMG Guidelines, 2015. Collection method: clinical testing. Allele origin: germline.

Eurofins Ntd Llc (ga)
Classification: Uncertain significance. Last evaluated: 2013-10-28. Review status: criteria provided, single submitter. Criteria: EGL Classification Definitions 2015. Collection method: clinical testing. Allele origin: germline. Observed: 1 variant allele, 1 heterozygote.

PreventionGenetics, part of Exact Sciences
Classification: Likely benign for TTN-related condition. Last evaluated: 2020-07-09. Review status: no assertion criteria provided. Collection method: clinical testing. Allele origin: germline. Not counted in ClinVar's aggregate classification.
Comment: This variant is classified as likely benign based on ACMG/AMP sequence variant interpretation guidelines (Richards et al. 2015 PMID: 25741868, with internal and published modifications).